The following is an entry in ClinVar:

ClinVar aggregate classification (germline): Pathogenic (1 of 4 stars; one submission).

Conditions:
Focal segmental glomerulosclerosis 7 (FSGS7). Identifiers: Orphanet 656, MedGen C4014925, MONDO:0014451, OMIM 616002.

Submission:

MVZ Medizinische Genetik Mainz
Classification: Pathogenic for Focal segmental glomerulosclerosis 7. Last evaluated: 2026-03-06. Review status: criteria provided, single submitter. Criteria: UK Practice Guidelines For Variant Classification V4 01 2020. Collection method: clinical testing. Allele origin: germline. Inheritance: Autosomal dominant inheritance. Affected: yes. Observed: 1 variant allele.
Comment: ACMG Criteria: PVS1,PM2_SUP,PP4

NM_000278.5(PAX2):c.954C>G (p.Tyr318Ter)

Gene: PAX2 (paired box 2; plus strand). Cytogenetic location: 10q24.31.
Variant type: single nucleotide variant.
Coding change: c.954C>G on transcript NM_000278.5 (MANE Select); coding-DNA position 954, C replaced by G.
Protein change: p.Tyr318Ter; replaces tyrosine 318 with a stop codon.
Molecular consequence: nonsense.
Genome position (GRCh38, 1-based): chr10:100,824,682, C>G. VCF-style: chr10-100824682-C-G. GRCh37 (hg19) VCF-style: chr10-102584439-C-G.
Other names: c.1047C>G, p.Tyr349Ter (NM_001304569.2); c.1023C>G, p.Tyr341Ter (NM_003987.5, NM_003990.5); c.954C>G, p.Tyr318Ter (NM_003988.5, NM_003989.5); short protein forms Y318*, Y341*, Y349*.
Identifiers: ClinVar variation 4818869 (VCV004818869.1).